The following is an entry in ClinVar:

ClinVar aggregate classification (germline): Uncertain significance (1 of 4 stars; one submission).

Conditions:
Lipoic acid synthetase deficiency. Also called: HYPERGLYCINEMIA, LACTIC ACIDOSIS, AND SEIZURES. Identifiers: Orphanet 401859, MedGen C3280887, MONDO:0013762, OMIM 614462.

Submission:

Labcorp Genetics (formerly Invitae), Labcorp
Classification: Uncertain significance for Lipoic acid synthetase deficiency. Last evaluated: 2022-10-03. Review status: criteria provided, single submitter. Criteria: Invitae Variant Classification Sherloc (09022015). Collection method: clinical testing. Allele origin: germline.
Comment: A copy number gain of the genomic region encompassing the full coding sequence of the LIAS gene has been identified. The boundaries of this event are unknown as they extend beyond the assayed region for this gene and therefore may encompass additional genes. As the precise location of this event is unknown, it may be in tandem or it may be located elsewhere in the genome. This variant has not been reported in the literature in individuals affected with LIAS-related conditions. In summary, the available evidence is currently insufficient to determine the role of this variant in disease. Therefore, it has been classified as a Variant of Uncertain Significance.

NC_000004.11:g.(?_38765721)_(41750627_?)dup

Genes: KLB (klotho beta; plus strand), N4BP2 (NEDD4 binding protein 2; plus strand), NSUN7 (NOP2/Sun RNA methyltransferase family member 7; plus strand), KLHL5 (kelch like family member 5; plus strand), LIAS (lipoic acid synthetase; plus strand) and 19 more. Cytogenetic location: 4p14-13.
Variant type: Duplication.
Identifiers: ClinVar variation 1411128 (VCV001411128.37).